The following is an entry in ClinVar:

NM_003620.4(PPM1D):c.1423del (p.Glu475fs)

Gene: PPM1D (protein phosphatase, Mg2+/Mn2+ dependent 1D; plus strand). Cytogenetic location: 17q23.2.
Variant type: Deletion.
Coding change: c.1423del on transcript NM_003620.4 (MANE Select); coding-DNA position 1423, one base deleted (G; older notation c.1423delG).
Protein change: p.Glu475fs; shifts the reading frame from glutamic acid 475.
Molecular consequence: frameshift variant.
Genome position (GRCh38, 1-based): chr17:60,663,157, G deleted. VCF-style (leftmost placement, unchanged base first): chr17-60663156-TG-T. GRCh37 (hg19) VCF-style: chr17-58740517-TG-T.
Other names: short protein forms E475fs.
Identifiers: ClinVar variation 930531 (VCV000930531.4), dbSNP rs1271133647, ClinGen allele CA627146040.

ClinVar aggregate classification (germline): Likely pathogenic (1 of 4 stars; one submission).

Conditions:
Familial cancer of breast. Also called: Hereditary breast cancer; BREAST CANCER, FAMILIAL; hereditary breast carcinoma. Identifiers: Orphanet 227535, MedGen C0346153, MONDO:0016419, OMIM 114480. Disease mechanism: loss of function.

Allele frequency attached by ClinVar (database versions not stated): gnomAD exomes below 0.00001.

Submission:

Centre for Mendelian Genomics, University Medical Centre Ljubljana
Classification: Likely pathogenic for Familial cancer of breast. Last evaluated: 2019-10-23. Review status: criteria provided, single submitter. Criteria: ACMG Guidelines, 2015. Collection method: clinical testing. Allele origin: unknown. Affected: yes.
Comment: This variant was classified as: Likely pathogenic. The following ACMG criteria were applied in classifying this variant: PVS1,PM2.